The following is an entry in ClinVar:

ClinVar aggregate classification (germline): Uncertain significance (1 of 4 stars; one submission).

Submission:

Labcorp Genetics (formerly Invitae), Labcorp
Classification: Uncertain significance. Last evaluated: 2022-03-12. Review status: criteria provided, single submitter. Criteria: Invitae Variant Classification Sherloc (09022015). Collection method: clinical testing. Allele origin: germline.
Comment: This sequence change replaces glycine, which is neutral and non-polar, with cysteine, which is neutral and slightly polar, at codon 29 of the KIAA1549 protein (p.Gly29Cys). The frequency data for this variant in the population databases is considered unreliable, as metrics indicate insufficient coverage at this position in the gnomAD database. This variant has not been reported in the literature in individuals affected with KIAA1549-related conditions. Algorithms developed to predict the effect of missense changes on protein structure and function are either unavailable or do not agree on the potential impact of this missense change (SIFT: "Deleterious"; PolyPhen-2: "Benign"; Align-GVGD: "Class C0"). In summary, the available evidence is currently insufficient to determine the role of this variant in disease. Therefore, it has been classified as a Variant of Uncertain Significance.

NM_001164665.2(KIAA1549):c.85G>T (p.Gly29Cys)

Gene: KIAA1549 (KIAA1549; minus strand). Cytogenetic location: 7q34.
Variant type: single nucleotide variant.
Coding change: c.85G>T on transcript NM_001164665.2 (MANE Select); coding-DNA position 85, G replaced by T.
Protein change: p.Gly29Cys; replaces glycine 29 with cysteine.
Molecular consequence: missense variant.
Genome position (GRCh38, 1-based): chr7:138,981,185, C>A on the plus strand (G>T on the coding strand, the complement: KIAA1549 is on the minus strand). VCF-style: chr7-138981185-C-A. GRCh37 (hg19) VCF-style: chr7-138665931-C-A.
Other names: c.85G>T, p.Gly29Cys (NM_020910.3); short protein forms G29C.
Identifiers: ClinVar variation 2110061 (VCV002110061.4), dbSNP rs1584799682, ClinGen allele CA369382483.